The following is an entry in ClinVar:

NM_000138.5(FBN1):c.6739+10C>T

Gene: FBN1 (fibrillin 1; minus strand). Cytogenetic location: 15q21.1.
Variant type: single nucleotide variant.
Coding change: c.6739+10C>T on transcript NM_000138.5 (MANE Select); 10 bases into the intron after coding-DNA position 6739, C replaced by T.
Molecular consequence: intron variant.
Genome position (GRCh38, 1-based): chr15:48,432,856, G>A on the plus strand (C>T on the coding strand, the complement: FBN1 is on the minus strand). VCF-style: chr15-48432856-G-A. GRCh37 (hg19) VCF-style: chr15-48725053-G-A.
Other names: p.?.
Identifiers: ClinVar variation 885560 (VCV000885560.9), dbSNP rs1179540326, ClinGen allele CA617834610.
Genomic context (GRCh38, chr15:48,432,856, plus strand): 5'-AGCTTTGAGGGACATCTCCCCTCACAGATAAAGCTTCCTGGCTTAGATGACCTTGAACAC[G>A]ATGACTCACCTTTGCACATCCTACGGTCTTCTCTGAGCACATATCCCACGGGACATTTGC-3'

ClinVar aggregate classification (germline): Conflicting classifications of pathogenicity. Review status: criteria provided, conflicting classifications (1 of 4 stars). 8 submissions from 3 submitters: Uncertain significance (6); Likely benign (2). Last evaluated 2025-11-27.

Conditions:
Weill-Marchesani syndrome. Also called: WM Syndrome; Mesodermal dysmorphodystrophy congenital. Identifiers: Orphanet 3449, MedGen C0265313, MONDO:0018096.
Acromicric dysplasia (ACMICD). Also called: Acromicric skeletal dysplasia. Identifiers: Orphanet 969, MedGen C0265287, MONDO:0007055, OMIM 102370.
Marfan syndrome (MFS). Also called: Marfan syndrome, classic; Marfan syndrome type 1; Marfan's syndrome; FBN1-Related Marfan Syndrome; MARFAN SYNDROME, TYPE I. Identifiers: Orphanet 284963, Orphanet 558, MedGen C0024796, MONDO:0007947, OMIM 154700.
Familial thoracic aortic aneurysm and aortic dissection (TAAD). Also called: Thoracic aortic aneurysms and dissections. Identifiers: Orphanet 91387, MedGen C4707243, MONDO:0019625.
Ectopia lentis 1, isolated, autosomal dominant (ECTOL1). Identifiers: Orphanet 1885, MedGen C3541518, MONDO:0007514, OMIM 129600.
Stiff skin syndrome (SSKS). Identifiers: Orphanet 2833, MedGen C1861456, MONDO:0008492, OMIM 184900.

Allele frequency attached by ClinVar (database versions not stated): gnomAD 0.00001; TOPMed below 0.00001.
gnomAD v4.1: 16 of 1,613,054 alleles (0.00099%); highest among the groups gnomAD compares: East Asian, 0.0045%; no homozygotes.

Submissions (8):

Mayo Clinic Laboratories, Mayo Clinic
Classification: Likely benign. Last evaluated: 2025-11-27. Review status: criteria provided, single submitter. Criteria: ACMG Guidelines, 2015. Collection method: clinical testing. Allele origin: germline. Observed: 1 variant allele.
Comment: BP4, BP7

Labcorp Genetics (formerly Invitae), Labcorp
Classification: Likely benign for Marfan syndrome; Familial thoracic aortic aneurysm and aortic dissection. Last evaluated: 2022-09-17. Review status: criteria provided, single submitter. Criteria: Invitae Variant Classification Sherloc (09022015). Collection method: clinical testing. Allele origin: germline.

Illumina Laboratory Services, Illumina
Classification: Uncertain significance for Marfan syndrome. Last evaluated: 2018-01-13. Review status: criteria provided, single submitter. Criteria: ICSL Variant Classification Criteria 13 December 2019. Collection method: clinical testing. Allele origin: germline.

Illumina Laboratory Services, Illumina
Classification: Uncertain significance for Stiff skin syndrome. Last evaluated: 2018-01-13. Review status: criteria provided, single submitter. Criteria: ICSL Variant Classification Criteria 13 December 2019. Collection method: clinical testing. Allele origin: germline.

Illumina Laboratory Services, Illumina
Classification: Uncertain significance for Acromicric dysplasia. Last evaluated: 2018-01-13. Review status: criteria provided, single submitter. Criteria: ICSL Variant Classification Criteria 13 December 2019. Collection method: clinical testing. Allele origin: germline.

Illumina Laboratory Services, Illumina
Classification: Uncertain significance for Familial thoracic aortic aneurysm and aortic dissection. Last evaluated: 2018-01-13. Review status: criteria provided, single submitter. Criteria: ICSL Variant Classification Criteria 13 December 2019. Collection method: clinical testing. Allele origin: germline.

Illumina Laboratory Services, Illumina
Classification: Uncertain significance for Ectopia lentis 1, isolated, autosomal dominant. Last evaluated: 2018-01-13. Review status: criteria provided, single submitter. Criteria: ICSL Variant Classification Criteria 13 December 2019. Collection method: clinical testing. Allele origin: germline.

Illumina Laboratory Services, Illumina
Classification: Uncertain significance for Weill-Marchesani syndrome. Last evaluated: 2018-01-13. Review status: criteria provided, single submitter. Criteria: ICSL Variant Classification Criteria 13 December 2019. Collection method: clinical testing. Allele origin: germline.